The following is an entry in ClinVar:

ClinVar aggregate classification (germline): Uncertain significance (1 of 4 stars; one submission).

Conditions:
Tuberous sclerosis 2 (TSC2). Identifiers: Orphanet 805, MedGen C1860707, MONDO:0013199, OMIM 613254.

Submission:

Labcorp Genetics (formerly Invitae), Labcorp
Classification: Uncertain significance for Tuberous sclerosis 2. Last evaluated: 2023-03-03. Review status: criteria provided, single submitter. Criteria: Invitae Variant Classification Sherloc (09022015). Collection method: clinical testing. Allele origin: germline.
Comment: This variant is not present in population databases (gnomAD no frequency). In summary, the available evidence is currently insufficient to determine the role of this variant in disease. Therefore, it has been classified as a Variant of Uncertain Significance. Advanced modeling of protein sequence and biophysical properties (such as structural, functional, and spatial information, amino acid conservation, physicochemical variation, residue mobility, and thermodynamic stability) has been performed at Invitae for this missense variant, however the output from this modeling did not meet the statistical confidence thresholds required to predict the impact of this variant on TSC2 protein function. This missense change has been observed in individual(s) with clinical features of tuberous sclerosis complex (Invitae). This sequence change replaces isoleucine, which is neutral and non-polar, with asparagine, which is neutral and polar, at codon 1197 of the TSC2 protein (p.Ile1197Asn).

NM_000548.5(TSC2):c.3590T>A (p.Ile1197Asn)

Gene: TSC2 (TSC complex subunit 2; plus strand). Cytogenetic location: 16p13.3.
Variant type: single nucleotide variant.
Coding change: c.3590T>A on transcript NM_000548.5 (MANE Select); coding-DNA position 3590, T replaced by A.
Protein change: p.Ile1197Asn; replaces isoleucine 1197 with asparagine.
Molecular consequence: missense variant. On other transcripts: non-coding transcript variant (5).
Genome position (GRCh38, 1-based): chr16:2,080,357, T>A. VCF-style: chr16-2080357-T-A. GRCh37 (hg19) VCF-style: chr16-2130358-T-A.
Other names: c.3461T>A, p.Ile1154Asn (NM_001370405.1, NM_001363528.2, NM_021055.3); c.3587T>A, p.Ile1196Asn (NM_001406663.1, NM_001406664.1); c.3458T>A, p.Ile1153Asn (NM_001406665.1, NM_001077183.3, NM_001370404.1); c.3551T>A, p.Ile1184Asn (NM_001406667.1); c.3548T>A, p.Ile1183Asn (NM_001406668.1); c.3479T>A, p.Ile1160Asn (NM_001406670.1); c.3449T>A, p.Ile1150Asn (NM_001406671.1); c.3446T>A, p.Ile1149Asn (NM_001406673.1); and 18 more; short protein forms I1117N, I1153N, I1164N, I1183N, I1197N, I1104N, I1116N, I1147N.
Identifiers: ClinVar variation 2842710 (VCV002842710.3), dbSNP rs2151462263, ClinGen allele CA394289678.